The following is an entry in ClinVar:

ClinVar aggregate classification (germline): Likely benign (1 of 4 stars; one submission).

Allele frequency attached by ClinVar (database versions not stated): gnomAD 0.00021 and 0.00064; ESP Exome Variant Server 0.00024; TOPMed 0.00027; gnomAD exomes 0.00168 and 0.00089; ExAC 0.00186; 1000 Genomes Project 0.00280.

Submission:

CeGaT Center for Human Genetics Tuebingen
Classification: Likely benign. Last evaluated: 2018-01-01. Review status: criteria provided, single submitter. Criteria: CeGaT Center For Human Genetics Tuebingen Variant Classification Criteria Version 2. Collection method: clinical testing. Allele origin: germline. Affected: yes. Observed: 1 variant allele.

NM_019078.2(UGT1A5):c.695del (p.Ala232fs)

Genes: UGT1A6 (UDP glucuronosyltransferase family 1 member A6; plus strand), UGT1A8 (UDP glucuronosyltransferase family 1 member A8; plus strand), UGT1A7 (UDP glucuronosyltransferase family 1 member A7; plus strand), UGT1A9 (UDP glucuronosyltransferase family 1 member A9; plus strand), UGT1A (UDP glucuronosyltransferase family 1 member A complex locus; plus strand) and 2 more. Cytogenetic location: 2q37.1.
Variant type: Deletion.
Coding change: c.695del on transcript NM_019078.2 (MANE Select); coding-DNA position 695, one base deleted (C; older notation c.695delC).
Protein change: p.Ala232fs; shifts the reading frame from alanine 232.
Molecular consequence: frameshift variant. On other transcripts: intron variant (6).
Genome position (GRCh38, 1-based): chr2:233,713,686, C deleted. VCF-style (leftmost placement, unchanged base first): chr2-233713685-GC-G. GRCh37 (hg19) VCF-style: chr2-234622331-GC-G.
Other names: c.856-53348del (NM_019076.5, NM_019075.4); c.855+40897del (NM_021027.3); c.855+30894del (NM_019077.3); c.60+19821del (NM_205862.3); c.861+19821del (NM_001072.4); short protein forms A232fs.
Identifiers: ClinVar variation 585111 (VCV000585111.44), dbSNP rs369685158, ClinGen allele CA2178762.